The following is an entry in ClinVar:

NM_182760.4(SUMF1):c.770A>T (p.Tyr257Phe)

Gene: SUMF1 (sulfatase modifying factor 1; minus strand). Cytogenetic location: 3p26.1.
Variant type: single nucleotide variant.
Coding change: c.770A>T on transcript NM_182760.4 (MANE Select); coding-DNA position 770, A replaced by T.
Protein change: p.Tyr257Phe; replaces tyrosine 257 with phenylalanine.
Molecular consequence: missense variant.
Genome position (GRCh38, 1-based): chr3:4,417,198, T>A on the plus strand (A>T on the coding strand, the complement: SUMF1 is on the minus strand). VCF-style: chr3-4417198-T-A. GRCh37 (hg19) VCF-style: chr3-4458882-T-A.
Other names: c.695A>T, p.Tyr232Phe (NM_001164674.2); c.770A>T, p.Tyr257Phe (NM_001164675.2); short protein forms Y232F, Y257F.
Identifiers: ClinVar variation 1523014 (VCV001523014.3), dbSNP rs2125032082, ClinGen allele CA351632117.

ClinVar aggregate classification (germline): Uncertain significance (1 of 4 stars; one submission).

Conditions:
Multiple sulfatase deficiency (MSD). Also called: Mucosulfatidosis; Multiple Sulfatase Deficiency Disease; Sulfatidosis, Juvenile, Austin Type. Identifiers: Orphanet 585, MedGen C0268263, MONDO:0010088, OMIM 272200.

Submission:

Labcorp Genetics (formerly Invitae), Labcorp
Classification: Uncertain significance for Multiple sulfatase deficiency. Last evaluated: 2021-07-31. Review status: criteria provided, single submitter. Criteria: Invitae Variant Classification Sherloc (09022015). Collection method: clinical testing. Allele origin: germline.
Comment: This sequence change replaces tyrosine with phenylalanine at codon 257 of the SUMF1 protein (p.Tyr257Phe). The tyrosine residue is highly conserved and there is a small physicochemical difference between tyrosine and phenylalanine. This variant is not present in population databases (ExAC no frequency). This variant has not been reported in the literature in individuals affected with SUMF1-related conditions. Algorithms developed to predict the effect of missense changes on protein structure and function (SIFT, PolyPhen-2, Align-GVGD) all suggest that this variant is likely to be tolerated. In summary, the available evidence is currently insufficient to determine the role of this variant in disease. Therefore, it has been classified as a Variant of Uncertain Significance.